The following continues an entry in ClinVar:

NM_002693.3(POLG):c.2209G>C (p.Gly737Arg)

Gene: POLG. ClinVar aggregate classification (germline): Pathogenic/Likely pathogenic. Pathogenic (25); Likely pathogenic (11).

Submissions 25 to 37 of 41:

Institute of Medical Genetics and Applied Genomics, University Hospital Tübingen
Classification: Pathogenic. Last evaluated: 2020-10-23. Review status: criteria provided, single submitter. Criteria: ACMG Guidelines, 2015. Collection method: clinical testing. Allele origin: germline. Inheritance: Autosomal unknown. Affected: yes.

GeneDx
Classification: Pathogenic. Last evaluated: 2020-02-10. Review status: criteria provided, single submitter. Criteria: GeneDx Variant Classification Process June 2021. Collection method: clinical testing. Allele origin: germline. Affected: yes.
Comment: In silico analysis, which includes protein predictors and evolutionary conservation, supports a deleterious effect; This variant is associated with the following publications: (PMID: 16634032, 24725338, 18546365, 25356970, 30609409, 31521625, 16621917, 21880868, 19566497, 27185166, 27016405, 27349602, 28812649, 29655203, 30843307, 31731261, 31980526, 34062649, 33300680, 33726816)

Genome Diagnostics Laboratory, The Hospital for Sick Children
Classification: Pathogenic for Hereditary spastic paraplegia. Last evaluated: 2019-12-01. Review status: criteria provided, single submitter. Criteria: ACMG Guidelines, 2015. Collection method: clinical testing. Allele origin: germline. Affected: yes.

ARUP Laboratories, Molecular Genetics and Genomics, ARUP Laboratories
Classification: Likely pathogenic. Last evaluated: 2019-09-16. Review status: criteria provided, single submitter. Criteria: ARUP Molecular Germline Variant Investigation Process. Collection method: clinical testing. Allele origin: germline.
Comment: The POLG c.2209G>C; p.Gly737Arg variant (rs121918054) is reported in the literature in multiple individuals with symptoms or diagnoses of a POLG-associated disorder, including mitochondrial DNA depletion syndrome, progressive external ophthalmoplegia, early-onset parkinsonism, and sensorimotor neuropathy (Davidzon 2006, Harrower 2008, Horvath 2006, Milone 2008, Tzoulis 2009, Wong 2008). Multiple affected individuals also carried a second pathogenic variant, with parental testing confirming compound heterozygosity of several probands (Davidzon 2006, Harrower 2008, Horvath 2006, Milone 2008, Tzoulis 2009, Wong 2008). Additionally, the p.Gly737Arg variant was reported to co-segregate with autosomal recessive disease in at least two families (Davidzon 2006, Harrower 2008). This variant is found in the non-Finnish European population with an overall allele frequency of 0.13% (171/129104 alleles) in the Genome Aggregation Database. The glycine at codon 737 is highly conserved, and computational analyses (SIFT, PolyPhen-2) predict that this variant is deleterious. Based on available information, this variant is considered to be likely pathogenic. References: Bereau M et al. The wide POLG-related spectrum: An integrated view. J Neurol Sci. 2016 Sep 15;368:70-6. Davidzon G et al. Early-onset familial parkinsonism due to POLG mutations. Ann Neurol. 2006 May;59(5):859-62. Harrower T et al. POLG1 mutations manifesting as autosomal recessive axonal Charcot-Marie-Tooth disease. Arch Neurol. 2008 Jan;65(1):133-6. Horvath R et al. Phenotypic spectrum associated with mutations of the mitochondrial polymerase gamma gene. Brain. 2006 Jul;129(Pt 7):1674-84. Milone M et al. Sensory ataxic neuropathy with ophthalmoparesis caused by POLG mutations. Neuromuscul Disord. 2008 Aug;18(8):626-32. Stumpf JD et al. Clinical and molecular features of POLG-related mitochondrial disease. Cold Spring Harb Perspect Biol. 2013 Apr 1;5(4):a011395. Tzoulis C et al. Mitochondrial DNA depletion in progressive external ophthalmoplegia caused by POLG1 mutations. Acta Neurol Scand Suppl. 2009;(189):38-41. Wong LJ et al. Molecular and clinical genetics of mitochondrial diseases due to POLG mutations. Hum Mutat. 2008 Sep;29(9):E150-72.

Knight Diagnostic Laboratories, Oregon Health and Sciences University
Classification: Likely pathogenic for Mitochondrial dna depletion syndrome 4a (alpers type). Last evaluated: 2019-07-29. Review status: criteria provided, single submitter. Criteria: ACMG Guidelines, 2015. Collection method: clinical testing. Allele origin: germline. Observed: 1 variant allele.

Wong Mito Lab, Molecular and Human Genetics, Baylor College of Medicine
Classification: Pathogenic for Progressive sclerosing poliodystrophy. Last evaluated: 2018-10-01. Review status: criteria provided, single submitter. Criteria: ACMG Guidelines, 2015. Collection method: clinical testing. Allele origin: germline.
Comment: The NM_002693.2:c.2209G>C (NP_002684.1:p.Gly737Arg) [GRCH38: NC_000015.10:g.89323460C>G] variant in POLG gene is interpretated to be a Pathogenic based on ACMG guidelines (PMID: 25741868). This variant meets the following evidence codes reported in the ACMG-guideline. PS1:This variation causes same amino-acid change as an established pathogenic variant. PS3:Well established functional studies show a deleterious effect on POLG. PM2:This variant is absent in key population databases. PM3:Detected in trans with a pathogenic variant for Mitochondrial DNA depletion syndrome 4A (Alpers type) which is a recessive disorder. PP1:This variant is co-segregated with Mitochondrial DNA depletion syndrome 4A (Alpers type) in multiple affected family members. PP4:Patient's phenotype or family history is highly specific for POLG. Based on the evidence criteria codes applied, the variant is suggested to be Pathogenic.

Eurofins Ntd Llc (ga)
Classification: Pathogenic. Last evaluated: 2018-07-13. Review status: criteria provided, single submitter. Criteria: EGL ClinVar v180209 classification definitions. Collection method: clinical testing. Allele origin: germline. Observed: 17 variant alleles, 17 heterozygotes.

Laboratory for Molecular Medicine, Mass General Brigham Personalized Medicine
Classification: Likely pathogenic for POLG-Related Spectrum Disorders. Last evaluated: 2016-12-23. Review status: criteria provided, single submitter. Criteria: LMM Criteria. Collection method: clinical testing. Allele origin: germline. Inheritance: Autosomal recessive inheritance. Observed: 4 variant alleles.
Comment: The p.Gly737Arg (NM_002693.2 c.2209G>C) variant in POLG has been reported in 10 compound heterozygous individuals presenting with POLG-related mitochondrial DNA (mtDNA) depletion syndromes (Horvath 2006, Davidzon 2006, Wong 2008, Harrower 2 008, Tzoulis 2009, Tang 2011). This variant has been identified in 0.1% (67/6651 4) of European chromosomes in ExAC though this frequency in consistent with a re cessive carrier frequency. In summary, although additional studies are required to fully establish its clinical significance, the p. Gly737Arg variant is likely pathogenic for POLG-related mitochondrial DNA (mtDNA) depletion syndromes in an autosomal recessive manner based upon biallelic case observations and consisten t allele frequency.

Illumina Laboratory Services, Illumina
Classification: Pathogenic for POLG-Related Spectrum Disorders. Last evaluated: 2016-06-14. Review status: criteria provided, single submitter. Criteria: ICSL Variant Classification 20161018. Collection method: clinical testing. Allele origin: germline.
Comment: Across seven studies, the c.2209G>C (p.Gly737Arg) variant has been reported in at least 23 patients presenting with a range of phenotypes, including 20 in a compound heterozygous state (two of which were a sibling pair) and three in a heterozygous state (Davidzon et al. 2006; Horvath et al. 2006; Harrower et al. 2008; Wong et al. 2008; Tzoulis et al. 2009; Tang et al. 2011; Kullar et al. 2016). The p.Gly737Ag variant was found in two out of 1532 control alleles and is reported at a frequency of 0.00221 in the European American population of the Exome Sequencing Project. Kullar et al. (2016) demonstrated the variant resulted in cochlear dysfunction in four patients with POLG-related spectrum disorders and hearing loss. Based on the collective evidence, the p.Gly737Arg variant is classified as pathogenic for POLG-related spectrum disorders.

Center for Pediatric Genomic Medicine, Children's Mercy Hospital and Clinics
Classification: Pathogenic. Last evaluated: 2016-01-11. Review status: criteria provided, single submitter. Criteria: ACMG Guidelines, 2015. Collection method: clinical testing. Allele origin: germline.

Baylor Genetics
Classification: Pathogenic for Progressive sclerosing poliodystrophy; Mitochondrial DNA depletion syndrome 4b. Review status: criteria provided, single submitter. Criteria: ACMG Guidelines, 2015. Collection method: clinical testing. Allele origin: germline.

Center for Genomics, Ann and Robert H. Lurie Children's Hospital of Chicago
Classification: Likely pathogenic for Sensory ataxic neuropathy, dysarthria, and ophthalmoparesis; Mitochondrial DNA depletion syndrome 4b; Progressive sclerosing poliodystrophy; Progressive external ophthalmoplegia with mitochondrial DNA deletions, autosomal dominant 1; Progressive external ophthalmoplegia with mitochondrial DNA deletions, autosomal recessive 1. Review status: criteria provided, single submitter. Criteria: ACMG Guidelines, 2015. Collection method: clinical testing. Allele origin: germline.
Comment: POLG NM_002693 exon 13 p.Gly737Arg (c.2209G>C): This variant has been reported in the literature in several individuals with various presentations of POLG-related disease (neuropathy, seizures, chronic progressive external opthalmoplegia (CPEO), ptosis, myopathy or early parkinsonism) as compound heterozygotes, segregating with disease in at least 1 affected family member (Davidzon 2006 PMID:16634032, Horvath 2006 PMID:16621917, Harrower 2008 PMID:18195151, Wong 2008 PMID:18546365, Tzoulis 2009 PMID:19566497, Tang 2011 PMID:21880868, Sitarz 2014 PMID:247253378, Rempe 2016 PMID:27185166). This variant has also been reported as heterozygous in at least 3 individuals with POLG-related presentations, as well as in 1 individual with Charcot-Marie-Tooth disease Type 2, segregating with disease in 1 sibling (Harrower 2008 PMID:18195151, Wong 2008 PMID:18546365). This variant is present in 0.1% (162/126642) of European alleles in the Genome Aggregation Database. This variant is present in ClinVar with several entries, though the interpretation among labs is inconsistent (Variation ID:13513). Evolutionary conservation and computational predictive tools suggest that this variant may impact the protein. In summary, data on this variant is highly suspicious for disease, but the high presence of this variant in the general population, variable clinical presentation in reported individuals and inconsistent community consensus interpretation of this variant suggests that further evidence for pathogenicity is required. Therefore, this variant classified as likely pathogenic.

Mitochondrial Research Group, Newcastle University
Classification: Pathogenic for Mitochondrial disease. Last evaluated: 2017-04-07. Review status: no assertion criteria provided. Collection method: clinical testing. Allele origin: germline. Affected: yes. Observed: 1 variant allele. Not counted in ClinVar's aggregate classification.